The following is an entry in ClinVar:

NM_001003841.3(SLC6A19):c.1213G>A (p.Glu405Lys)

Gene: SLC6A19 (solute carrier family 6 member 19; plus strand). Cytogenetic location: 5p15.33.
Variant type: single nucleotide variant.
Coding change: c.1213G>A on transcript NM_001003841.3 (MANE Select); coding-DNA position 1213, G replaced by A.
Protein change: p.Glu405Lys; replaces glutamic acid 405 with lysine.
Molecular consequence: missense variant.
Genome position (GRCh38, 1-based): chr5:1,218,942, G>A. VCF-style: chr5-1218942-G-A. GRCh37 (hg19) VCF-style: chr5-1219057-G-A.
Other names: short protein forms E405K.
Identifiers: ClinVar variation 1722359 (VCV001722359.4), dbSNP rs765501634, ClinGen allele CA3183103.
Genomic context (GRCh38, chr5:1,218,942, plus strand): 5'-GACTGTGTGTCATCCGTGCAGGCCGTGGAGGGCACAGGCCTGGCCTTCATCGTCTTCACC[G>A]AGGCCATCACCAAGATGCCGTTGTCCCCACTGTGGTCTGTGCTCTTCTTCATTATGCTCT-3'
Protein context (NP_001003841.1, residues 395-415): GTGLAFIVFT[Glu405Lys]AITKMPLSPL

ClinVar aggregate classification (germline): Conflicting classifications of pathogenicity. Review status: criteria provided, conflicting classifications (1 of 4 stars). 3 submissions from 3 submitters: Likely pathogenic (1); Uncertain significance (2). Last evaluated 2024-07-29.

Conditions:
Neutral 1 amino acid transport defect (HND). Also called: HARTNUP DISORDER; Hartnup disease. Identifiers: Orphanet 2116, MedGen C0018609, MONDO:0009324, OMIM 234500.

Allele frequency attached by ClinVar (database versions not stated): TOPMed 0.00001; ExAC 0.00002; gnomAD 0.00003.

Submissions (3):

Blueprint Genetics
Classification: Uncertain significance. Last evaluated: 2024-07-29. Review status: criteria provided, single submitter. Criteria: ACMG Guidelines, 2015. Collection method: clinical testing. Allele origin: germline.

Women's Health and Genetics/Laboratory Corporation of America, LabCorp
Classification: Uncertain significance. Last evaluated: 2022-09-29. Review status: criteria provided, single submitter. Criteria: LabCorp Variant Classification Summary - May 2015. Collection method: clinical testing. Allele origin: germline.
Comment: Variant summary: SLC6A19 c.1213G>A (p.Glu405Lys) results in a conservative amino acid change in the encoded protein sequence. Four of five in-silico tools predict a damaging effect of the variant on protein function. The variant allele was found at a frequency of 1.8e-05 in 282516 control chromosomes (gnomAD). c.1213G>A has been reported in the literature as a compound heterozygous genotype in one family affected with Hartnup Disease (Azmanov_2008). The same publication also measured leucine uptake in injected xenopus oocytes, and found that the variant had approximately 40% activity compared to wild type (Azmanov_2008). No clinical diagnostic laboratories have submitted clinical-significance assessments for this variant to ClinVar after 2014. Based on the evidence outlined above, the variant was classified as VUS-possibly pathogenic.

Juno Genomics, Hangzhou Juno Genomics, Inc
Classification: Likely pathogenic for Neutral 1 amino acid transport defect. Review status: criteria provided, single submitter. Criteria: ACMG Guidelines, 2015. Collection method: clinical testing. Allele origin: germline.
Comment: Absent from controls (or at extremely low frequency if recessive) in Genome Aggregation Database.;For recessive disorders, detected in trans with a pathogenic variant.;Patient's phenotype or family history is highly specific for a disease with a single genetic etiology.;Well-established in vitro or in vivo functional studies supportive of a damaging effect on the gene or gene product.

Literature cited by the submitters: PubMed 18484095 (cited by Women's Health and Genetics/Laboratory Corporation of America, LabCorp).